The following is an entry in ClinVar:

NM_000090.4(COL3A1):c.1826G>A (p.Gly609Glu)

Gene: COL3A1 (collagen type III alpha 1 chain; plus strand). Cytogenetic location: 2q32.2.
Variant type: single nucleotide variant.
Coding change: c.1826G>A on transcript NM_000090.4 (MANE Select); coding-DNA position 1826, G replaced by A.
Protein change: p.Gly609Glu; replaces glycine 609 with glutamic acid.
Molecular consequence: missense variant.
Genome position (GRCh38, 1-based): chr2:188,997,346, G>A. VCF-style: chr2-188997346-G-A. GRCh37 (hg19) VCF-style: chr2-189862072-G-A.
Other names: short protein forms G609E.
Identifiers: ClinVar variation 2498858 (VCV002498858.31), dbSNP rs2469138123, ClinGen allele CA349853397.

ClinVar aggregate classification (germline): Likely pathogenic. Review status: criteria provided, multiple submitters, no conflicts (2 of 4 stars). 2 submissions from 2 submitters: Likely pathogenic (2). Last evaluated 2024-09-21.

Conditions:
Ehlers-Danlos syndrome, type 4 (EDSVASC). Also called: Ehlers-Danlos syndrome vascular type; Ehlers Danlos syndrome, ecchymotic type; Ehlers Danlos syndrome, arterial type; Ehlers Danlos syndrome, Sack-Barabas type; Ehlers-Danlos Syndrome Type IV. Identifiers: Orphanet 286, MedGen C0268338, MONDO:0017314, OMIM 130050.

Submissions (2):

Labcorp Genetics (formerly Invitae), Labcorp
Classification: Likely pathogenic for Ehlers-Danlos syndrome, type 4. Last evaluated: 2024-09-21. Review status: criteria provided, single submitter. Criteria: Invitae Variant Classification Sherloc (09022015). Collection method: clinical testing. Allele origin: germline.
Comment: This sequence change replaces glycine, which is neutral and non-polar, with glutamic acid, which is acidic and polar, at codon 609 of the COL3A1 protein (p.Gly609Glu). This variant is not present in population databases (gnomAD no frequency). This variant has not been reported in the literature in individuals affected with COL3A1-related conditions. ClinVar contains an entry for this variant (Variation ID: 2498858). Invitae Evidence Modeling of protein sequence and biophysical properties (such as structural, functional, and spatial information, amino acid conservation, physicochemical variation, residue mobility, and thermodynamic stability) indicates that this missense variant is expected to disrupt COL3A1 protein function with a positive predictive value of 95%. This variant disrupts the triple helix domain of COL3A1. Glycine residues within the Gly-Xaa-Yaa repeats of the triple helix domain are required for the structure and stability of fibrillar collagens (PMID: 7695699, 8218237, 19344236). In COL3A1, variants that affect these glycine residues are significantly enriched in individuals with disease (PMID: 24922459, 25758994) compared to the general population (ExAC). In summary, the currently available evidence indicates that the variant is pathogenic, but additional data are needed to prove that conclusively. Therefore, this variant has been classified as Likely Pathogenic.

CeGaT Center for Human Genetics Tuebingen
Classification: Likely pathogenic. Last evaluated: 2023-04-01. Review status: criteria provided, single submitter. Criteria: CeGaT Center For Human Genetics Tuebingen Variant Classification Criteria Version 2. Collection method: clinical testing. Allele origin: germline. Affected: yes. Observed: 2 variant alleles.
Comment: COL3A1: PM1:Strong, PM2, PP3

Literature cited by the submitters: PubMed 7695699 (cited by Labcorp Genetics (formerly Invitae), Labcorp); PubMed 8218237 (cited by Labcorp Genetics (formerly Invitae), Labcorp); PubMed 19344236 (cited by Labcorp Genetics (formerly Invitae), Labcorp); PubMed 24922459 (cited by Labcorp Genetics (formerly Invitae), Labcorp); PubMed 25758994 (cited by Labcorp Genetics (formerly Invitae), Labcorp).